The following is an entry in ClinVar:

NM_001197104.2(KMT2A):c.3157G>A (p.Gly1053Ser)

Gene: KMT2A (lysine methyltransferase 2A; plus strand). Cytogenetic location: 11q23.3.
Variant type: single nucleotide variant.
Coding change: c.3157G>A on transcript NM_001197104.2 (MANE Select); coding-DNA position 3157, G replaced by A.
Protein change: p.Gly1053Ser; replaces glycine 1053 with serine.
Molecular consequence: missense variant.
Genome position (GRCh38, 1-based): chr11:118,476,805, G>A. VCF-style: chr11-118476805-G-A. GRCh37 (hg19) VCF-style: chr11-118347520-G-A.
Other names: c.3157G>A, p.Gly1053Ser (NM_005933.4); short protein forms G1053S.
Identifiers: ClinVar variation 985951 (VCV000985951.9), dbSNP rs145549283, ClinGen allele CA6303627.
Genomic context (GRCh38, chr11:118,476,805, plus strand): 5'-CGTTCAGTTATAATTTCAACATGTATGGTTGTTATTGTTTTTGGATTGCCTCATATTCAG[G>A]GTCAAGAAAGTGACTCATCAGAGACCTCTGTGCGAGGACCCCGGATTAAACATGTCTGCA-3'
Protein context (NP_001184033.1, residues 1043-1063): LKQTDQPKAQ[Gly1053Ser]QESDSSETSV

ClinVar aggregate classification (germline): Uncertain significance. Review status: criteria provided, multiple submitters, no conflicts (2 of 4 stars). 2 submissions from 2 submitters: Uncertain significance (2). Last evaluated 2023-08-24.

Conditions:
Inborn genetic diseases. Identifiers: MedGen C0950123, MeSH D030342.

Allele frequency attached by ClinVar (database versions not stated): gnomAD exomes below 0.00001; ExAC 0.00001; TOPMed 0.00001; ESP Exome Variant Server 0.00008.
gnomAD v4.1: 3 of 1,601,504 alleles (0.00019%); highest among the groups gnomAD compares: African/African-American, 0.0027%; no homozygotes.

Submissions (2):

Ambry Genetics
Classification: Uncertain significance for Inborn genetic diseases. Last evaluated: 2023-08-24. Review status: criteria provided, single submitter. Criteria: Ambry Variant Classification Scheme 2023. Collection method: clinical testing. Allele origin: germline.
Comment: The c.3157G>A (p.G1053S) alteration is located in coding exon 4 of the KMT2A gene. This alteration results from a G to A substitution at nucleotide position 3157, causing the glycine (G) at amino acid position 1053 to be replaced by a serine (S). Based on data from gnomAD, the A allele has an overall frequency of <0.001% (1/249250) total alleles studied. The highest observed frequency was 0.006% (1/16224) of African alleles. This amino acid position is highly conserved in available vertebrate species. The in silico prediction for this alteration is inconclusive. Based on insufficient or conflicting evidence, the clinical significance of this alteration remains unclear.

Labcorp Genetics (formerly Invitae), Labcorp
Classification: Uncertain significance. Last evaluated: 2022-03-18. Review status: criteria provided, single submitter. Criteria: Invitae Variant Classification Sherloc (09022015). Collection method: clinical testing. Allele origin: germline.
Comment: This variant is not present in population databases (gnomAD no frequency). This sequence change replaces glycine, which is neutral and non-polar, with serine, which is neutral and polar, at codon 1053 of the KMT2A protein (p.Gly1053Ser). This variant has not been reported in the literature in individuals affected with KMT2A-related conditions. ClinVar contains an entry for this variant (Variation ID: 985951). Algorithms developed to predict the effect of missense changes on protein structure and function are either unavailable or do not agree on the potential impact of this missense change (SIFT: "Deleterious"; PolyPhen-2: "Probably Damaging"; Align-GVGD: "Class C0"). Algorithms developed to predict the effect of sequence changes on RNA splicing suggest that this variant may disrupt the consensus splice site. In summary, the available evidence is currently insufficient to determine the role of this variant in disease. Therefore, it has been classified as a Variant of Uncertain Significance.